The following is an entry in ClinVar:

NM_001148.6(ANK2):c.4594A>T (p.Ile1532Phe)

Gene: ANK2 (ankyrin 2; plus strand). Cytogenetic location: 4q26.
Variant type: single nucleotide variant.
Coding change: c.4594A>T on transcript NM_001148.6 (MANE Select); coding-DNA position 4594, A replaced by T.
Protein change: p.Ile1532Phe; replaces isoleucine 1532 with phenylalanine.
Molecular consequence: missense variant. On other transcripts: intron variant (68).
Genome position (GRCh38, 1-based): chr4:113,353,212, A>T. VCF-style: chr4-113353212-A-T. GRCh37 (hg19) VCF-style: chr4-114274368-A-T.
Other names: c.4360A>T, p.Ile1454Phe (NM_001386142.1); c.994A>T, p.Ile332Phe (NM_001386166.1); c.4735A>T, p.Ile1579Phe (NM_001386174.1); c.4711A>T, p.Ile1571Phe (NM_001386175.1); c.4411+2963A>T (NM_001386186.2, NM_001386148.2); c.4213+2963A>T (NM_001354269.3); c.4291+2963A>T (NM_001386187.2); c.4252+2963A>T (NM_001386147.1); and 35 more; short protein forms I1532F, I1571F, I1579F, I1454F, I332F.
Identifiers: ClinVar variation 2450639 (VCV002450639.2), dbSNP rs774135595, ClinGen allele CA357915086.

ClinVar aggregate classification (germline): Uncertain significance (1 of 4 stars; one submission).

Conditions:
Cardiovascular phenotype. Identifiers: MedGen CN230736.

Submission:

Ambry Genetics
Classification: Uncertain significance for Cardiovascular phenotype. Last evaluated: 2023-01-01. Review status: criteria provided, single submitter. Criteria: Ambry Variant Classification Scheme 2023. Collection method: clinical testing. Allele origin: germline.
Comment: The p.I1532F variant (also known as c.4594A>T), located in coding exon 38 of the ANK2 gene, results from an A to T substitution at nucleotide position 4594. The isoleucine at codon 1532 is replaced by phenylalanine, an amino acid with highly similar properties. This amino acid position is conserved. In addition, this alteration is predicted to be tolerated by in silico analysis. Since supporting evidence is limited at this time, the clinical significance of this alteration remains unclear.